The following is an entry in ClinVar:

ClinVar aggregate classification (germline): Likely benign. Review status: criteria provided, multiple submitters, no conflicts (2 of 4 stars). 3 submissions from 3 submitters: Likely benign (3). Last evaluated 2025-11-21.

Conditions:
CACNB2-related disorder. Also called: CACNB2-related condition.
Brugada syndrome 4 (BRGDA4). Identifiers: Orphanet 130, MedGen C2678477, MONDO:0012743, OMIM 611876.

Allele frequency attached by ClinVar (database versions not stated): gnomAD exomes 0.00003 and 0.00008; ExAC 0.00009; 1000 Genomes Project 0.00020; ESP Exome Variant Server 0.00023; gnomAD 0.00030 and 0.00032; 1000 Genomes Project 30x 0.00031; TOPMed 0.00032.
gnomAD v4.1: 85 of 1,603,898 alleles (0.0053%); highest among the groups gnomAD compares: African/African-American, 0.11%; 1 homozygote.

Submissions (3):

Labcorp Genetics (formerly Invitae), Labcorp
Classification: Likely benign for Brugada syndrome 4. Last evaluated: 2025-11-21. Review status: criteria provided, single submitter. Criteria: Invitae Variant Classification Sherloc (09022015). Collection method: clinical testing. Allele origin: germline.

PreventionGenetics, part of Exact Sciences
Classification: Likely benign for CACNB2-related condition. Last evaluated: 2025-07-28. Review status: criteria provided, single submitter. Criteria: ACMG Guidelines, 2015. Collection method: clinical testing. Allele origin: germline.
Comment: This variant is classified as likely benign based on ACMG/AMP sequence variant interpretation guidelines (Richards et al. 2015 PMID: 25741868, with internal and published modifications).

GeneDx
Classification: Likely benign. Last evaluated: 2018-02-12. Review status: criteria provided, single submitter. Criteria: GeneDx Variant Classification (06012015). Collection method: clinical testing. Allele origin: germline. Affected: yes.
Comment: This variant is considered likely benign or benign based on one or more of the following criteria: it is a conservative change, it occurs at a poorly conserved position in the protein, it is predicted to be benign by multiple in silico algorithms, and/or has population frequency not consistent with disease.

NM_201596.3(CACNB2):c.1488+8G>A

Gene: CACNB2 (calcium voltage-gated channel auxiliary subunit beta 2; plus strand). Cytogenetic location: 10p12.31.
Variant type: single nucleotide variant.
Coding change: c.1488+8G>A on transcript NM_201596.3 (MANE Select); 8 bases into the intron after coding-DNA position 1488, G replaced by A.
Molecular consequence: intron variant.
Genome position (GRCh38, 1-based): chr10:18,538,373, G>A. VCF-style: chr10-18538373-G-A. GRCh37 (hg19) VCF-style: chr10-18827302-G-A.
Other names: c.1404+8G>A (NM_201571.4); c.1290+8G>A (NM_001167945.2); c.1332+8G>A (NM_201572.4); c.1374+8G>A (NM_201593.3); c.1416+8G>A (NM_201597.3); c.1323+8G>A (NM_000724.4); c.1209+8G>A (NM_001330060.2); c.1326+8G>A (NM_201590.3); and 1 more.
Identifiers: ClinVar variation 385195 (VCV000385195.12), dbSNP rs375215183, ClinGen allele CA5430040.